The following is an entry in ClinVar:

NM_016169.4(SUFU):c.1123del (p.Gln375fs)

Gene: SUFU (SUFU negative regulator of hedgehog signaling; plus strand). Cytogenetic location: 10q24.32.
Variant type: Deletion.
Coding change: c.1123del on transcript NM_016169.4 (MANE Select); coding-DNA position 1123, one base deleted (C; older notation c.1123delC).
Protein change: p.Gln375fs; shifts the reading frame from glutamine 375.
Molecular consequence: frameshift variant.
Genome position (GRCh38, 1-based): chr10:102,615,368, C deleted; the last of 2 consecutive C bases (chr10:102,615,367-102,615,368); deleting either gives the same sequence. VCF-style (leftmost placement, unchanged base first): chr10-102615366-AC-A. GRCh37 (hg19) VCF-style: chr10-104375123-AC-A.
Other names: c.1123del, p.Gln375fs (NM_001178133.2); short protein forms Q375fs.
Identifiers: ClinVar variation 1387820 (VCV001387820.8), dbSNP rs2135930329, ClinGen allele CA2573145419.

ClinVar aggregate classification (germline): Pathogenic. Review status: criteria provided, multiple submitters, no conflicts (2 of 4 stars). 2 submissions from 2 submitters: Pathogenic (2). Last evaluated 2021-04-06.

Conditions:
Medulloblastoma (MDB). Also called: MEDULLOBLASTOMA PREDISPOSITION SYNDROME; Medulloblastoma, somatic. Identifiers: Orphanet 616, MedGen C0025149, MeSH D008527, MONDO:0007959, OMIM 155255, HP:0002885.
Gorlin syndrome. Also called: Nevoid Basal Cell Carcinoma Syndrome; Basal cell nevus syndrome. Identifiers: Orphanet 377, MedGen C0004779, MONDO:0007187.
Hereditary cancer-predisposing syndrome. Also called: Hereditary neoplastic syndrome; Neoplastic Syndromes, Hereditary; Hereditary Cancer Syndrome; Tumor predisposition. Identifiers: Orphanet 140162, MedGen C0027672, MeSH D009386, MONDO:0015356.

Submissions (2):

Labcorp Genetics (formerly Invitae), Labcorp
Classification: Pathogenic for Gorlin syndrome; Medulloblastoma. Last evaluated: 2021-04-06. Review status: criteria provided, single submitter. Criteria: Invitae Variant Classification Sherloc (09022015). Collection method: clinical testing. Allele origin: germline.
Comment: This sequence change creates a premature translational stop signal (p.Gln375Argfs*11) in the SUFU gene. It is expected to result in an absent or disrupted protein product. Loss-of-function variants in SUFU are known to be pathogenic (PMID: 22508808, 25403219). This variant is not present in population databases (ExAC no frequency). This variant has not been reported in the literature in individuals with SUFU-related conditions. For these reasons, this variant has been classified as Pathogenic.

Ambry Genetics
Classification: Pathogenic for Hereditary cancer-predisposing syndrome. Last evaluated: 2021-02-19. Review status: criteria provided, single submitter. Criteria: Ambry Variant Classification Scheme 2023. Collection method: clinical testing. Allele origin: germline.
Comment: The c.1123delC pathogenic mutation, located in coding exon 9 of the SUFU gene, results from a deletion of one nucleotide at nucleotide position 1123, causing a translational frameshift with a predicted alternate stop codon (p.Q375Rfs*11). This alteration is expected to result in loss of function by premature protein truncation or nonsense-mediated mRNA decay. As such, this alteration is interpreted as a disease-causing mutation.

Literature cited by the submitters: PubMed 22508808 (cited by Labcorp Genetics (formerly Invitae), Labcorp); PubMed 25403219 (cited by Labcorp Genetics (formerly Invitae), Labcorp).